The following is an entry in ClinVar:

ClinVar aggregate classification (germline): Uncertain significance. Review status: criteria provided, multiple submitters, no conflicts (2 of 4 stars). 3 submissions from 3 submitters: Uncertain significance (3). Last evaluated 2025-10-17.

Conditions:
Inborn genetic diseases. Identifiers: MedGen C0950123, MeSH D030342.
Glomerulopathy with fibronectin deposits 2 (GFND2). Identifiers: Orphanet 84090, MedGen C1866075, MONDO:0011165, OMIM 601894.
Spondylometaphyseal dysplasia - Sutcliffe type. Also called: Spondylometaphyseal Dysplasia, Corner Fracture Type; Sutcliffe type of spondylometaphyseal dysplasia; Sutcliffe SMD; Spondylometaphyseal dysplasia, 'corner fracture' type. Identifiers: Orphanet 93315, MedGen C0432221, MONDO:0008479, OMIM 184255.
FN1-related disorder. Also called: FN1-related condition.

Allele frequency attached by ClinVar (database versions not stated): gnomAD exomes below 0.00001; gnomAD 0.00001; TOPMed 0.00002.
gnomAD v4.1: 2 of 1,612,380 alleles (0.00012%); highest among the groups gnomAD compares: African/African-American, 0.0027%; no homozygotes.

Submissions (3):

PreventionGenetics, part of Exact Sciences
Classification: Uncertain significance for FN1-related condition. Last evaluated: 2025-10-17. Review status: criteria provided, single submitter. Criteria: ACMG Guidelines, 2015. Collection method: clinical testing. Allele origin: germline.
Comment: The FN1 c.7393C>G variant is predicted to result in the amino acid substitution p.Pro2465Ala. To our knowledge, this variant has not been reported in the literature or in a large population database (gnomAD), indicating this variant is rare. At this time, the clinical significance of this variant is uncertain due to the absence of conclusive functional and genetic evidence.

Fulgent Genetics
Classification: Uncertain significance for Spondylometaphyseal dysplasia - Sutcliffe type; Glomerulopathy with fibronectin deposits 2. Last evaluated: 2024-06-08. Review status: criteria provided, single submitter. Criteria: ACMG Guidelines, 2015. Collection method: clinical testing. Allele origin: germline.

Ambry Genetics
Classification: Uncertain significance for Inborn genetic diseases. Last evaluated: 2021-12-03. Review status: criteria provided, single submitter. Criteria: Ambry Variant Classification Scheme 2023. Collection method: clinical testing. Allele origin: germline.

NM_212482.4(FN1):c.7393C>G (p.Pro2465Ala)

Genes: ATIC (5-aminoimidazole-4-carboxamide ribonucleotide formyltransferase/IMP cyclohydrolase; plus strand), FN1 (fibronectin 1; minus strand). Cytogenetic location: 2q35.
Variant type: single nucleotide variant.
Coding change: c.7393C>G on transcript NM_212482.4 (MANE Select); coding-DNA position 7393, C replaced by G.
Protein change: p.Pro2465Ala; replaces proline 2465 with alanine.
Molecular consequence: missense variant.
Genome position (GRCh38, 1-based): chr2:215,361,596, G>C on the plus strand (C>G on the coding strand, the complement: FN1 is on the minus strand). VCF-style: chr2-215361596-G-C. GRCh37 (hg19) VCF-style: chr2-216226319-G-C.
Other names: c.7393C>G (NM_212482.2); c.7300C>G, p.Pro2434Ala (NM_001306129.2); c.6763C>G, p.Pro2255Ala (NM_001306130.2); c.6757C>G, p.Pro2253Ala (NM_001306131.2); c.6682C>G, p.Pro2228Ala (NM_001306132.2); c.7123C>G, p.Pro2375Ala (NM_001365517.2); c.7120C>G, p.Pro2374Ala (NM_001365518.2); c.7048C>G, p.Pro2350Ala (NM_001365519.2); and 9 more; short protein forms P2164A, P2255A, P2344A, P2374A, P2465A, P2284A, P2434A, P2254A.
Identifiers: ClinVar variation 2264606 (VCV002264606.4), dbSNP rs1366673139, ClinGen allele CA350461437.